The following is an entry in ClinVar:

NM_001378778.1(MPDZ):c.2357C>T (p.Pro786Leu)

Gene: MPDZ (multiple PDZ domain crumbs cell polarity complex component; minus strand). Cytogenetic location: 9p23.
Variant type: single nucleotide variant.
Coding change: c.2357C>T on transcript NM_001378778.1 (MANE Select); coding-DNA position 2357, C replaced by T.
Protein change: p.Pro786Leu; replaces proline 786 with leucine.
Molecular consequence: missense variant.
Genome position (GRCh38, 1-based): chr9:13,188,791, G>A on the plus strand (C>T on the coding strand, the complement: MPDZ is on the minus strand). VCF-style: chr9-13188791-G-A. GRCh37 (hg19) VCF-style: chr9-13188790-G-A.
Other names: c.2357C>T, p.Pro786Leu (NM_001261406.2, NM_001261407.2, NM_001330637.2 and 14 more transcripts); short protein forms P786L.
Identifiers: ClinVar variation 1952573 (VCV001952573.5), dbSNP rs1954502443, ClinGen allele CA372937141.

ClinVar aggregate classification (germline): Uncertain significance (1 of 4 stars; one submission).

Allele frequency attached by ClinVar (database versions not stated): TOPMed below 0.00001.

Submission:

Labcorp Genetics (formerly Invitae), Labcorp
Classification: Uncertain significance. Last evaluated: 2025-03-17. Review status: criteria provided, single submitter. Criteria: Invitae Variant Classification Sherloc (09022015). Collection method: clinical testing. Allele origin: germline.
Comment: This sequence change replaces proline, which is neutral and non-polar, with leucine, which is neutral and non-polar, at codon 786 of the MPDZ protein (p.Pro786Leu). This variant is not present in population databases (gnomAD no frequency). This variant has not been reported in the literature in individuals affected with MPDZ-related conditions. ClinVar contains an entry for this variant (Variation ID: 1952573). An algorithm developed to predict the effect of missense changes on protein structure and function (PolyPhen-2) suggests that this variant is likely to be disruptive. In summary, the available evidence is currently insufficient to determine the role of this variant in disease. Therefore, it has been classified as a Variant of Uncertain Significance.